The following is an entry in ClinVar:

NM_000334.4(SCN4A):c.*1737A>G

Genes: GH-LCR (growth hormone locus control region; plus strand), SCN4A (sodium voltage-gated channel alpha subunit 4; minus strand). Cytogenetic location: 17q23.3.
Variant type: single nucleotide variant.
Coding change: c.*1737A>G on transcript NM_000334.4 (MANE Select); 1737 bases downstream of the stop codon, A replaced by G.
Molecular consequence: 3 prime UTR variant.
Genome position (GRCh38, 1-based): chr17:63,939,034, T>C on the plus strand (A>G on the coding strand, the complement: SCN4A is on the minus strand). VCF-style: chr17-63939034-T-C. GRCh37 (hg19) VCF-style: chr17-62016394-T-C.
Identifiers: ClinVar variation 324473 (VCV000324473.9), dbSNP rs16947276, ClinGen allele CA10646424.
Genomic context (GRCh38, chr17:63,939,034, plus strand): 5'-GAGAGGGGAGTGAGAGAGAGGGCTGTTCAGGCAGGACTGGGAGCAGGTGAGAGAGCATGG[T>C]GGACAATAAAGACAACTCTGGCCCATAGGCATGGCATGTAGATGTGCACACACACACACG-3'

ClinVar aggregate classification (germline): Benign. Review status: criteria provided, multiple submitters, no conflicts (2 of 4 stars). 7 submissions from 3 submitters: Benign (7). Last evaluated 2021-05-25.

Conditions:
Congenital myasthenic syndrome 16. Identifiers: Orphanet 590, MedGen C3280112, MONDO:0013620, OMIM 614198.
Paramyotonia congenita of Von Eulenburg. Also called: Paramyotonia Congenita; PARALYSIS PERIODICA PARAMYOTONICA; Eulenburg disease; Myotonia congenita intermittens; Von Eulenburg paramyotonia congenita. Identifiers: Orphanet 684, MedGen C0221055, MONDO:0008195, OMIM 168300. Disease mechanism: loss of function.
Hyperkalemic periodic paralysis. Also called: Familial hyperkalemic periodic paralysis; Gamstorp disease. Identifiers: Orphanet 682, MedGen C0238357, MONDO:0008224, OMIM 170500, HP:0007215.
Hypokalemic periodic paralysis, type 2 (HOKPP2). Identifiers: Orphanet 681, MedGen C2750061, MONDO:0013234, OMIM 613345.
Potassium-aggravated myotonia. Also called: Myotonia congenita, atypical, acetazolamide-responsive; MYOTONIA CONGENITA, ACETAZOLAMIDE-RESPONSIVE; MYOTONIA CONGENITA, ATYPICAL; SODIUM CHANNEL MUSCLE DISEASE. Identifiers: Orphanet 612, Orphanet 99734, Orphanet 99735, Orphanet 99736, MedGen C2931826, MONDO:0018959, OMIM 608390.

Allele frequency attached by ClinVar (database versions not stated): gnomAD 0.06978 and 0.06552; 1000 Genomes Project 0.08107; gnomAD exomes 0.00131; TOPMed 0.07442; 1000 Genomes Project 30x 0.08510.
gnomAD v4.1: 9,878 of 152,960 alleles (6.5%); highest among the groups gnomAD compares: African/African-American, 22%; 1,088 homozygotes.

Submissions (7):

GeneDx
Classification: Benign. Last evaluated: 2021-05-25. Review status: criteria provided, single submitter. Criteria: GeneDx Variant Classification Process June 2021. Collection method: clinical testing. Allele origin: germline. Affected: yes.

Illumina Laboratory Services, Illumina
Classification: Benign for Paramyotonia congenita of Von Eulenburg. Last evaluated: 2018-01-13. Review status: criteria provided, single submitter. Criteria: ICSL Variant Classification Criteria 13 December 2019. Collection method: clinical testing. Allele origin: germline.
Comment: This variant was observed in the ICSL laboratory as part of a predisposition screen in an ostensibly healthy population. It had not been previously curated by ICSL or reported in the Human Gene Mutation Database (HGMD: prior to June 1st, 2018), and was therefore a candidate for classification through an automated scoring system. Utilizing variant allele frequency, disease prevalence and penetrance estimates, and inheritance mode, an automated score was calculated to assess if this variant is too frequent to cause the disease. Based on the score and internal cut-off values, a variant classified as benign is not then subjected to further curation. The score for this variant resulted in a classification of benign for this disease.

Illumina Laboratory Services, Illumina
Classification: Benign for Potassium-aggravated myotonia. Last evaluated: 2018-01-13. Review status: criteria provided, single submitter. Criteria: ICSL Variant Classification Criteria 13 December 2019. Collection method: clinical testing. Allele origin: germline.
Comment: the same text as in the submission from Illumina Laboratory Services, Illumina above.

Illumina Laboratory Services, Illumina
Classification: Benign for Hyperkalemic periodic paralysis. Last evaluated: 2018-01-13. Review status: criteria provided, single submitter. Criteria: ICSL Variant Classification Criteria 13 December 2019. Collection method: clinical testing. Allele origin: germline.
Comment: the same text as in the submission from Illumina Laboratory Services, Illumina above.

Illumina Laboratory Services, Illumina
Classification: Benign for Hypokalemic periodic paralysis, type 2. Last evaluated: 2018-01-13. Review status: criteria provided, single submitter. Criteria: ICSL Variant Classification Criteria 13 December 2019. Collection method: clinical testing. Allele origin: germline.
Comment: the same text as in the submission from Illumina Laboratory Services, Illumina above.

Illumina Laboratory Services, Illumina
Classification: Benign for Congenital myasthenic syndrome 16. Last evaluated: 2018-01-13. Review status: criteria provided, single submitter. Criteria: ICSL Variant Classification Criteria 13 December 2019. Collection method: clinical testing. Allele origin: germline.
Comment: the same text as in the submission from Illumina Laboratory Services, Illumina above.

Breakthrough Genomics
Classification: Benign. Review status: criteria provided, single submitter. Criteria: ACMG Guidelines, 2015. Collection method: not provided. Allele origin: germline. Inheritance: Autosomal recessive inheritance. Affected: yes.